The following is an entry in ClinVar:

ClinVar aggregate classification (germline): Likely pathogenic (1 of 4 stars; one submission).

Conditions:
Cone-rod dystrophy 2 (CORD2). Also called: CONE-ROD RETINAL DYSTROPHY; Cone-rod retinal dystrophy 2. Identifiers: Orphanet 1872, MedGen C3489532, MONDO:0007362, OMIM 120970.
Leber congenital amaurosis 7 (LCA7). Identifiers: Orphanet 65, MedGen C3151192, MONDO:0013449, OMIM 613829.

gnomAD v4.1: 1 of 1,614,146 alleles (0.000062%); highest among the groups gnomAD compares: Non-Finnish European, 0.000085%; no homozygotes.

Submission:

Labcorp Genetics (formerly Invitae), Labcorp
Classification: Likely pathogenic for Cone-rod dystrophy 2; Leber congenital amaurosis 7. Last evaluated: 2025-08-11. Review status: criteria provided, single submitter. Criteria: Invitae Variant Classification Sherloc (09022015). Collection method: clinical testing. Allele origin: germline.
Comment: This sequence change replaces arginine, which is basic and polar, with serine, which is neutral and polar, at codon 43 of the CRX protein (p.Arg43Ser). This variant is not present in population databases (gnomAD no frequency). This variant has not been reported in the literature in individuals affected with CRX-related conditions. ClinVar contains an entry for this variant (Variation ID: 1047499). Invitae Evidence Modeling of protein sequence and biophysical properties (such as structural, functional, and spatial information, amino acid conservation, physicochemical variation, residue mobility, and thermodynamic stability) indicates that this missense variant is expected to disrupt CRX protein function with a positive predictive value of 95%. This variant disrupts the p.Arg43 amino acid residue in CRX. Other variant(s) that disrupt this residue have been determined to be pathogenic (PMID: 26992781, 30718709, 31626798, 32533067). This suggests that this residue is clinically significant, and that variants that disrupt this residue are likely to be disease-causing. In summary, the currently available evidence indicates that the variant is pathogenic, but additional data are needed to prove that conclusively. Therefore, this variant has been classified as Likely Pathogenic.

Literature cited by the submitters: PubMed 26992781; PubMed 30718709; PubMed 31626798; PubMed 32533067.

NM_000554.6(CRX):c.127C>A (p.Arg43Ser)

Gene: CRX (cone-rod homeobox; plus strand). Cytogenetic location: 19q13.33.
Variant type: single nucleotide variant.
Coding change: c.127C>A on transcript NM_000554.6 (MANE Select); coding-DNA position 127, C replaced by A.
Protein change: p.Arg43Ser; replaces arginine 43 with serine.
Molecular consequence: missense variant.
Genome position (GRCh38, 1-based): chr19:47,836,269, C>A. VCF-style: chr19-47836269-C-A. GRCh37 (hg19) VCF-style: chr19-48339526-C-A.
Other names: short protein forms R43S.
Identifiers: ClinVar variation 1047499 (VCV001047499.10), dbSNP rs1437021651, ClinGen allele CA406629448.